The following is an entry in ClinVar:

ClinVar aggregate classification (germline): Uncertain significance (1 of 4 stars; one submission).

Allele frequency attached by ClinVar (database versions not stated): gnomAD exomes below 0.00001; ExAC 0.00001; TOPMed 0.00002; gnomAD 0.00004.
gnomAD v4.1: 9 of 1,613,736 alleles (0.00056%); highest among the groups gnomAD compares: African/African-American, 0.012%; no homozygotes.

Submission:

Labcorp Genetics (formerly Invitae), Labcorp
Classification: Uncertain significance. Last evaluated: 2021-06-28. Review status: criteria provided, single submitter. Criteria: Invitae Variant Classification Sherloc (09022015). Collection method: clinical testing. Allele origin: germline.
Comment: This variant has not been reported in the literature in individuals with EIF2B5-related conditions. This sequence change replaces aspartic acid with asparagine at codon 572 of the EIF2B5 protein (p.Asp572Asn). The aspartic acid residue is highly conserved and there is a small physicochemical difference between aspartic acid and asparagine. This variant is present in population databases (rs771735548, ExAC 0.01%). Algorithms developed to predict the effect of missense changes on protein structure and function are either unavailable or do not agree on the potential impact of this missense change (SIFT: "Tolerated"; PolyPhen-2: "Possibly Damaging"; Align-GVGD: "Class C0"). In summary, the available evidence is currently insufficient to determine the role of this variant in disease. Therefore, it has been classified as a Variant of Uncertain Significance.

NM_003907.3(EIF2B5):c.1714G>A (p.Asp572Asn)

Gene: EIF2B5 (eukaryotic translation initiation factor 2B subunit epsilon; plus strand). Cytogenetic location: 3q27.1.
Variant type: single nucleotide variant.
Coding change: c.1714G>A on transcript NM_003907.3 (MANE Select); coding-DNA position 1714, G replaced by A.
Protein change: p.Asp572Asn; replaces aspartic acid 572 with asparagine.
Molecular consequence: missense variant.
Genome position (GRCh38, 1-based): chr3:184,143,111, G>A. VCF-style: chr3-184143111-G-A. GRCh37 (hg19) VCF-style: chr3-183860899-G-A.
Other names: short protein forms D572N.
Identifiers: ClinVar variation 1391961 (VCV001391961.8), dbSNP rs771735548, ClinGen allele CA2726791.
Genomic context (GRCh38, chr3:184,143,111, plus strand): 5'-GTGTTCCAGAATGAAGTTTTAGGAACACTACAGCGGGGCAAAGAGGAGAACATTTCTTGT[G>A]ACAATCTCGTCCTGGAAATCAACTCTCTCAAGTAAGAGCAGCCCCTCCCTGTTCTCCTCG-3'
Protein context (NP_003898.2, residues 562-582): QRGKEENISC[Asp572Asn]NLVLEINSLK